The following is an entry in ClinVar:

ClinVar aggregate classification (germline): Uncertain significance. Review status: criteria provided, multiple submitters, no conflicts (2 of 4 stars). 2 submissions from 2 submitters: Uncertain significance (2). Last evaluated 2024-12-30.

Conditions:
Hereditary cancer-predisposing syndrome. Also called: Tumor predisposition; Hereditary neoplastic syndrome; Hereditary Cancer Syndrome; Neoplastic Syndromes, Hereditary. Identifiers: Orphanet 140162, MedGen C0027672, MeSH D009386, MONDO:0015356.
Oligodontia-cancer predisposition syndrome. Also called: TOOTH AGENESIS-COLORECTAL CANCER SYNDROME. Identifiers: Orphanet 300576, MedGen C1837750, MONDO:0012075, OMIM 608615. Disease mechanism: loss of function.

Allele frequency attached by ClinVar (database versions not stated): TOPMed below 0.00001.

Submissions (2):

Ambry Genetics
Classification: Uncertain significance for Hereditary cancer-predisposing syndrome. Last evaluated: 2024-12-30. Review status: criteria provided, single submitter. Criteria: Ambry Variant Classification Scheme 2023. Collection method: clinical testing. Allele origin: germline.
Comment: The p.V446I variant (also known as c.1336G>A), located in coding exon 5 of the AXIN2 gene, results from a G to A substitution at nucleotide position 1336. The valine at codon 446 is replaced by isoleucine, an amino acid with highly similar properties. This amino acid position is highly conserved in available vertebrate species. In addition, the in silico prediction for this alteration is inconclusive. Since supporting evidence is limited at this time, the clinical significance of this alteration remains unclear.

Labcorp Genetics (formerly Invitae), Labcorp
Classification: Uncertain significance for Oligodontia-cancer predisposition syndrome. Last evaluated: 2024-04-13. Review status: criteria provided, single submitter. Criteria: Invitae Variant Classification Sherloc (09022015). Collection method: clinical testing. Allele origin: germline.
Comment: This sequence change replaces valine, which is neutral and non-polar, with isoleucine, which is neutral and non-polar, at codon 446 of the AXIN2 protein (p.Val446Ile). This variant is not present in population databases (gnomAD no frequency). This variant has not been reported in the literature in individuals affected with AXIN2-related conditions. ClinVar contains an entry for this variant (Variation ID: 1052439). Advanced modeling of protein sequence and biophysical properties (such as structural, functional, and spatial information, amino acid conservation, physicochemical variation, residue mobility, and thermodynamic stability) performed at Invitae indicates that this missense variant is not expected to disrupt AXIN2 protein function with a negative predictive value of 80%. In summary, the available evidence is currently insufficient to determine the role of this variant in disease. Therefore, it has been classified as a Variant of Uncertain Significance.

NM_004655.4(AXIN2):c.1336G>A (p.Val446Ile)

Gene: AXIN2 (axin 2; minus strand). Cytogenetic location: 17q24.1.
Variant type: single nucleotide variant.
Coding change: c.1336G>A on transcript NM_004655.4 (MANE Select); coding-DNA position 1336, G replaced by A.
Protein change: p.Val446Ile; replaces valine 446 with isoleucine.
Molecular consequence: missense variant.
Genome position (GRCh38, 1-based): chr17:65,537,700, C>T on the plus strand (G>A on the coding strand, the complement: AXIN2 is on the minus strand). VCF-style: chr17-65537700-C-T. GRCh37 (hg19) VCF-style: chr17-63533818-C-T.
Other names: c.1336G>A, p.Val446Ile (NM_001363813.1); short protein forms V446I.
Identifiers: ClinVar variation 1052439 (VCV001052439.11), dbSNP rs2043958508, ClinGen allele CA400677703.